The following is an entry in ClinVar:

NM_004991.4(MECOM):c.659C>G (p.Ser220Cys)

Gene: MECOM (MDS1 and EVI1 complex locus; minus strand). Cytogenetic location: 3q26.2.
Variant type: single nucleotide variant.
Coding change: c.659C>G on transcript NM_004991.4 (MANE Select); coding-DNA position 659, C replaced by G.
Protein change: p.Ser220Cys; replaces serine 220 with cysteine.
Molecular consequence: missense variant.
Genome position (GRCh38, 1-based): chr3:169,128,015, G>C on the plus strand (C>G on the coding strand, the complement: MECOM is on the minus strand). VCF-style: chr3-169128015-G-C. GRCh37 (hg19) VCF-style: chr3-168845803-G-C.
Other names: c.287C>G, p.Ser96Cys (NM_001105077.4); c.95C>G, p.Ser32Cys (NM_001105078.4, NM_001163999.2, NM_001164000.2 and 9 more transcripts); c.659C>G, p.Ser220Cys (NM_001366466.2, NM_001366473.2); short protein forms S32C, S96C, S220C.
Identifiers: ClinVar variation 5024126 (VCV005024126.1).

ClinVar aggregate classification (germline): Uncertain significance (1 of 4 stars; one submission).

Conditions:
Inborn genetic diseases. Identifiers: MedGen C0950123, MeSH D030342.

Submission:

Ambry Genetics
Classification: Uncertain significance for Inborn genetic diseases. Last evaluated: 2026-06-30. Review status: criteria provided, single submitter. Criteria: Ambry Variant Classification Scheme 2023. Collection method: clinical testing. Allele origin: germline.
Comment: The p.S220C variant (also known as c.659C>G), located in coding exon 5 of the MECOM gene, results from a C to G substitution at nucleotide position 659. The serine at codon 220 is replaced by cysteine, an amino acid with dissimilar properties. This amino acid position is conserved. In addition, the in silico prediction for this alteration is inconclusive. Based on the available evidence, the clinical significance of this variant remains unclear.